The following is an entry in ClinVar:

NM_001142966.3(GREB1L):c.5278G>T (p.Glu1760Ter)

Gene: GREB1L (GREB1 like retinoic acid receptor coactivator; plus strand). Cytogenetic location: 18q11.2.
Variant type: single nucleotide variant.
Coding change: c.5278G>T on transcript NM_001142966.3 (MANE Select); coding-DNA position 5278, G replaced by T.
Protein change: p.Glu1760Ter; replaces glutamic acid 1760 with a stop codon.
Molecular consequence: nonsense.
Genome position (GRCh38, 1-based): chr18:21,518,040, G>T. VCF-style: chr18-21518040-G-T. GRCh37 (hg19) VCF-style: chr18-19098001-G-T.
Other names: c.5407G>T, p.Glu1803Ter (NM_001410867.1); c.4951G>T, p.Glu1651Ter (NM_001410868.1); short protein forms E1651*, E1760*, E1803*.
Identifiers: ClinVar variation 3601158 (VCV003601158.1).
Genomic context (GRCh38, chr18:21,518,040, plus strand): 5'-TGTTTAATCCAGTGACAGACAAGTTTCCCATGATCATCTCGCCTCTGATTTCAGGTGTCA[G>T]AGAGCTTAGCACCCATCTTGCCCCTTCAATACATCTGTGCTCCCGACAGTGAACACACAC-3'

ClinVar aggregate classification (germline): Likely pathogenic (1 of 4 stars; one submission).

Conditions:
Hearing loss, autosomal dominant 80. Also called: DEAFNESS, AUTOSOMAL DOMINANT 80. Identifiers: MedGen C5543289, MONDO:0030998, OMIM 619274.

Submission:

Institute of Rare Diseases, West China Hospital, Sichuan University
Classification: Likely pathogenic for Hearing loss, autosomal dominant 80. Last evaluated: 2025-01-09. Review status: criteria provided, single submitter. Criteria: ClinGen HL ACMG Specifications v1. Collection method: research. Allele origin: germline. Affected: yes.
Comment: PVS1;PM2_Supporting